The following is an entry in ClinVar:

ClinVar aggregate classification (germline): Conflicting classifications of pathogenicity. Review status: criteria provided, conflicting classifications (1 of 4 stars). 6 submissions from 6 submitters: Uncertain significance (4); Likely benign (1). 1 of the submissions does not count toward it. Last evaluated 2025-05-27.

Conditions:
Usher syndrome type 1F (USH1F). Also called: USHER SYNDROME, TYPE IF. Identifiers: Orphanet 231169, Orphanet 886, MedGen C1865885, MONDO:0011186, OMIM 602083.

Submissions (6):

Labcorp Genetics (formerly Invitae), Labcorp
Classification: Likely benign. Last evaluated: 2025-05-27. Review status: criteria provided, single submitter. Criteria: Invitae Variant Classification Sherloc (09022015). Collection method: clinical testing. Allele origin: germline.

GeneDx
Classification: Uncertain significance. Last evaluated: 2024-10-29. Review status: criteria provided, single submitter. Criteria: GeneDx Variant Classification Process June 2021. Collection method: clinical testing. Allele origin: germline. Affected: yes.
Comment: Frameshift variant predicted to result in protein truncation, as the last 178 amino acids are replaced with 69 different amino acids, and other loss-of-function variants have been reported downstream in HGMD; Has not been previously published as pathogenic or benign to our knowledge

Women's Health and Genetics/Laboratory Corporation of America, LabCorp
Classification: Uncertain significance. Last evaluated: 2024-08-09. Review status: criteria provided, single submitter. Criteria: LabCorp Variant Classification Summary - May 2015. Collection method: clinical testing. Allele origin: germline.
Comment: Variant summary: PCDH15 c.5332dupT (p.Cys1778LeufsX70) results in a premature termination codon, predicted to cause a truncation of the encoded protein or absence of the protein. Truncating variants in the last exon of PCDH15 have uncertain impact on protein function. The variant allele was found at a frequency of 2.8e-05 in 181112 control chromosomes in the gnomAD database, including 1 homozygotes. The available data on variant occurrences in the general population are insufficient to allow any conclusion about variant significance. To our knowledge, no occurrence of c.5332dupT in individuals affected with Usher Syndrome Type 1F and no experimental evidence demonstrating its impact on protein function have been reported. ClinVar contains an entry for this variant (Variation ID: 553355). Based on the evidence outlined above, the variant was classified as uncertain significance.

Blueprint Genetics
Classification: Uncertain significance. Last evaluated: 2021-12-14. Review status: criteria provided, single submitter. Criteria: ACMG Guidelines, 2015. Collection method: clinical testing. Allele origin: germline.

Breakthrough Genomics
Classification: Uncertain significance. Review status: criteria provided, single submitter. Criteria: ACMG Guidelines, 2015. Collection method: not provided. Allele origin: germline. Inheritance: Autosomal recessive inheritance. Affected: yes.

Counsyl
Classification: Uncertain significance for Usher syndrome type 1F. Last evaluated: 2017-08-16. Review status: no assertion criteria provided. Collection method: clinical testing. Allele origin: unknown. Not counted in ClinVar's aggregate classification.

NM_033056.4(PCDH15):c.5332dup (p.Cys1778fs)

Gene: PCDH15 (protocadherin related 15; minus strand). Cytogenetic location: 10q21.1.
Variant type: Duplication.
Coding change: c.5332dup on transcript NM_033056.4 (MANE Plus Clinical); coding-DNA position 5332, one base duplicated (T; older notation c.5332dupT).
Protein change: p.Cys1778fs; shifts the reading frame from cysteine 1778.
Molecular consequence: frameshift variant. On other transcripts: intron variant (8).
Genome position (GRCh38, 1-based): chr10:53,822,394, A duplicated on the plus strand (T on the coding strand, the reverse complement: PCDH15 is on the minus strand); the first of 6 consecutive A bases (chr10:53,822,394-53,822,399); duplicating any one gives the same sequence. VCF-style (leftmost placement, unchanged base first): chr10-53822393-C-CA. GRCh37 (hg19) VCF-style: chr10-55582153-C-CA.
Other names: c.5353dup, p.Cys1785fs (NM_001142763.2); c.5338dup, p.Cys1780fs (NM_001142764.2); c.5125dup, p.Cys1709fs (NM_001142765.2); c.5323dup, p.Cys1775fs (NM_001142766.2); c.5212dup, p.Cys1738fs (NM_001142767.2); c.5272dup, p.Cys1758fs (NM_001142768.2); c.5263dup, p.Cys1755fs (NM_001142773.2); c.5266dup, p.Cys1756fs (NM_001354404.2); and 8 more; short protein forms C1756fs, C1775fs, C1785fs, C1709fs, C1738fs, C1755fs, C1758fs, C1778fs.
Identifiers: ClinVar variation 553355 (VCV000553355.12), dbSNP rs1338600699, ClinGen allele CA593783012.